The following is an entry in ClinVar:

NM_000540.3(RYR1):c.336C>G (p.His112Gln)

Gene: RYR1 (ryanodine receptor 1; plus strand). Cytogenetic location: 19q13.2.
Variant type: single nucleotide variant.
Coding change: c.336C>G on transcript NM_000540.3 (MANE Select); coding-DNA position 336, C replaced by G.
Protein change: p.His112Gln; replaces histidine 112 with glutamine.
Molecular consequence: missense variant.
Genome position (GRCh38, 1-based): chr19:38,443,623, C>G. VCF-style: chr19-38443623-C-G. GRCh37 (hg19) VCF-style: chr19-38934263-C-G.
Other names: c.336C>G, p.His112Gln (NM_001042723.2); short protein forms H112Q.
Identifiers: ClinVar variation 4082267 (VCV004082267.1).

ClinVar aggregate classification (germline): Uncertain significance (1 of 4 stars; one submission).

Conditions:
Malignant hyperthermia, susceptibility to, 1 (MHS1). Also called: RYR1-Related Malignant Hyperthermia Susceptibility; Malignant hyperthermia suceptibility 1; Anesthesia related hyperthermia; Malignant hyperpyrexia; Fulminating hyperpyrexia; Pharmacogenic myopathy. Identifiers: Orphanet 423, MedGen C2930980, MONDO:0007783, OMIM 145600.

gnomAD v4.1: 1 of 1,614,122 alleles (0.000062%); highest among the groups gnomAD compares: Non-Finnish European, 0.000085%; no homozygotes.

Submission:

Leeds Institute of Medical Research, University of Leeds
Classification: Uncertain significance for Malignant hyperthermia, susceptibility to, 1. Review status: criteria provided, single submitter. Criteria: Johnston et al. (Hum Mol Genet. 2022). Collection method: research. Allele origin: germline. Inheritance: Autosomal dominant inheritance. Affected: yes. Observed: 1 variant allele, 1 heterozygote.
Comment: ACMG/AMP PP3 the CADD_PHRED score was 19.85. It was absent from the n=25 MH normal controls but present at a low level in UK Biobank (1.2E-06). Segregation analysis was not possible due to absence of other family members. It was present in RYR1 that is the major genetic cause of MH susceptibility and has 68 diagnostically used variants. No other diagnostic or rare variants were identified. For these reasons the variant was denoted as of uncertain significance.